The following is an entry in ClinVar:

NM_001753.5(CAV1):c.479_480del (p.Leu159_Phe160insTer)

Gene: CAV1 (caveolin 1; plus strand). Cytogenetic location: 7q31.2.
Variant type: Deletion.
Coding change: c.479_480del on transcript NM_001753.5 (MANE Select); coding-DNA positions 479 to 480, 2 bases deleted (TT; older notation c.479_480delTT).
Protein change: p.Leu159_Phe160insTer.
Molecular consequence: nonsense.
Genome position (GRCh38, 1-based): chr7:116,559,229-116,559,230, TT deleted; deleting any 2 consecutive bases within chr7:116,559,228-116,559,230 gives the same sequence; the c. name uses the placement nearest the transcript's 3' end. VCF-style (leftmost placement, unchanged base first): chr7-116559227-CTT-C. GRCh37 (hg19) VCF-style: chr7-116199281-CTT-C.
Other names: c.386_387del, p.Leu128_Phe129insTer (NM_001172895.1, NM_001172896.2, NM_001172897.2).
Identifiers: ClinVar variation 208669 (VCV000208669.2), dbSNP rs797044871, ClinGen allele CA204643.
Genomic context (GRCh38, chr7:116,559,227, plus strand): 5'-TGAGATTCAGTGCATCAGCCGTGTCTATTCCATCTACGTCCACACCGTCTGTGACCCACT[CTT>C]TGAAGCTGTTGGGAAAATATTCAGCAATGTCCGCATCAACTTGCAGAAAGAAATATAAAT-3'

ClinVar aggregate classification (germline): Pathogenic. Review status: criteria provided, single submitter (1 of 4 stars). 3 submissions from 3 submitters: Pathogenic (1). 2 of the submissions do not count toward it.

Conditions:
Partial lipodystrophy, congenital cataracts, and neurodegeneration syndrome (FPLD7). Identifiers: MedGen C3807567, MONDO:0011714, OMIM 606721.
Inborn genetic diseases. Identifiers: MedGen C0950123, MeSH D030342.
Pulmonary hypertension, primary, 3. Identifiers: Orphanet 422, MedGen C3809192, MONDO:0014135, OMIM 615343.
Congenital generalized lipodystrophy type 3 (CGL3). Also called: BERARDINELLI-SEIP CONGENITAL LIPODYSTROPHY, TYPE 3. Identifiers: Orphanet 528, Orphanet 696206, MedGen C2675861, MONDO:0012923, OMIM 612526.

Submissions (3):

Ambry Genetics
Classification: Pathogenic for Inborn genetic diseases. Review status: criteria provided, single submitter. Criteria: Ambry exome assertion method (8-5-2015). Collection method: clinical testing. Allele origin: germline. Inheritance: Autosomal dominant inheritance. Affected: yes. Observed: 1 heterozygote. Segregation with disease observed.
Comment: POSITIVE: Relevant Alteration(s) Detected

OMIM
Classification: Pathogenic for LIPODYSTROPHY, FAMILIAL PARTIAL, TYPE 7. Last evaluated: 2015-08-01. Review status: no assertion criteria provided. Collection method: literature only. Allele origin: germline. Not counted in ClinVar's aggregate classification.

University of Washington Center for Mendelian Genomics, University of Washington
Classification: Pathogenic for Lipodystrophy, congenital generalized, type 3; Primary pulmonary hypertension 3. Last evaluated: 2015-05-19. Review status: no assertion criteria provided. Collection method: research. Allele origin: de novo. Affected: yes. Observed: 1 variant allele. Not counted in ClinVar's aggregate classification.

Literature cited by the submitters: PubMed 25356970 (cited by Ambry Genetics); PubMed 25898808 (cited by OMIM and University of Washington Center for Mendelian Genomics, University of Washington).